The following is an entry in ClinVar:

ClinVar aggregate classification (germline): Pathogenic (1 of 4 stars; one submission).

Conditions:
Hypotonia, infantile, with psychomotor retardation and characteristic facies 1 (INNFD). Identifiers: Orphanet 371364, Orphanet 700336, MedGen C3809454, MONDO:0024567, OMIM 615419.

Submission:

3billion
Classification: Pathogenic for Hypotonia, infantile, with psychomotor retardation and characteristic facies 1. Last evaluated: 2024-11-20. Review status: criteria provided, single submitter. Criteria: ACMG Guidelines, 2015. Collection method: clinical testing. Allele origin: germline. Affected: yes.
Comment: The variant is not observed in the gnomAD v4.1.0 dataset. Predicted Consequence/Location: Frameshift: predicted to result in a loss or disruption of normal protein function through nonsense-mediated decay (NMD) or protein truncation. Multiple pathogenic variants are reported downstream of the variant. Therefore, this variant is classified as Pathogenic according to the recommendation of ACMG/AMP guideline.

NM_052867.4(NALCN):c.218dup (p.Leu74fs)

Gene: NALCN (sodium leak channel, non-selective; minus strand). Cytogenetic location: 13q33.1.
Variant type: Duplication.
Coding change: c.218dup on transcript NM_052867.4 (MANE Select); coding-DNA position 218, one base duplicated (C; older notation c.218dupC).
Protein change: p.Leu74fs; shifts the reading frame from leucine 74.
Molecular consequence: frameshift variant.
Genome position (GRCh38, 1-based): chr13:101,395,256, G duplicated on the plus strand (C on the coding strand, the reverse complement: NALCN is on the minus strand). VCF-style (leftmost placement, unchanged base first): chr13-101395255-A-AG. GRCh37 (hg19) VCF-style: chr13-102047606-A-AG.
Other names: c.218dup, p.Leu74fs (NM_001350748.2, NM_001350749.2, NM_001350750.2 and 1 more transcripts); short protein forms L74fs.
Identifiers: ClinVar variation 4293634 (VCV004293634.1).